The following is an entry in ClinVar:

NM_002582.4(PARN):c.467C>T (p.Ala156Val)

Gene: PARN (poly(A)-specific ribonuclease; minus strand). Cytogenetic location: 16p13.12.
Variant type: single nucleotide variant.
Coding change: c.467C>T on transcript NM_002582.4 (MANE Select); coding-DNA position 467, C replaced by T.
Protein change: p.Ala156Val; replaces alanine 156 with valine.
Molecular consequence: missense variant.
Genome position (GRCh38, 1-based): chr16:14,610,731, G>A on the plus strand (C>T on the coding strand, the complement: PARN is on the minus strand). VCF-style: chr16-14610731-G-A. GRCh37 (hg19) VCF-style: chr16-14704588-G-A.
Other names: c.284C>T, p.Ala95Val (NM_001134477.3); c.329C>T, p.Ala110Val (NM_001242992.2); short protein forms A110V, A156V, A95V.
Identifiers: ClinVar variation 1437634 (VCV001437634.8), dbSNP rs1341620972, ClinGen allele CA394810960.

ClinVar aggregate classification (germline): Uncertain significance (1 of 4 stars; one submission).

Conditions:
Dyskeratosis congenita, autosomal recessive 6 (DKCB6). Identifiers: MedGen C4225356, MONDO:0014600, OMIM 616353.
Pulmonary fibrosis and/or bone marrow failure, Telomere-related, 4. Also called: PULMONARY FIBROSIS AND/OR BONE MARROW FAILURE SYNDROME, TELOMERE-RELATED, 4. Identifiers: Orphanet 2032, MedGen C4225347, MONDO:0014612, OMIM 616371.

Allele frequency attached by ClinVar (database versions not stated): gnomAD exomes below 0.00001.
gnomAD v4.1: 2 of 1,603,988 alleles (0.00012%); highest among the groups gnomAD compares: Admixed American, 0.0017%; no homozygotes.

Submission:

Labcorp Genetics (formerly Invitae), Labcorp
Classification: Uncertain significance for Dyskeratosis congenita, autosomal recessive 6; Pulmonary fibrosis and/or bone marrow failure, Telomere-related, 4. Last evaluated: 2022-06-13. Review status: criteria provided, single submitter. Criteria: Invitae Variant Classification Sherloc (09022015). Collection method: clinical testing. Allele origin: germline.
Comment: This sequence change replaces alanine, which is neutral and non-polar, with valine, which is neutral and non-polar, at codon 156 of the PARN protein (p.Ala156Val). This variant is present in population databases (no rsID available, gnomAD 0.003%). This variant has not been reported in the literature in individuals affected with PARN-related conditions. Algorithms developed to predict the effect of missense changes on protein structure and function (SIFT, PolyPhen-2, Align-GVGD) all suggest that this variant is likely to be tolerated. In summary, the available evidence is currently insufficient to determine the role of this variant in disease. Therefore, it has been classified as a Variant of Uncertain Significance.